The following is an entry in ClinVar:

NM_001458.5(FLNC):c.5200G>A (p.Ala1734Thr)

Gene: FLNC (filamin C; plus strand). Cytogenetic location: 7q32.1.
Variant type: single nucleotide variant.
Coding change: c.5200G>A on transcript NM_001458.5 (MANE Select); coding-DNA position 5200, G replaced by A.
Protein change: p.Ala1734Thr; replaces alanine 1734 with threonine.
Molecular consequence: missense variant. On other transcripts: intron variant (1).
Genome position (GRCh38, 1-based): chr7:128,849,976, G>A. VCF-style: chr7-128849976-G-A. GRCh37 (hg19) VCF-style: chr7-128490030-G-A.
Other names: c.5200G>A (NM_001458.4); c.5199+398G>A (NM_001127487.2); short protein forms A1734T.
Identifiers: ClinVar variation 1500974 (VCV001500974.9), dbSNP rs1359496906, ClinGen allele CA369204461.

ClinVar aggregate classification (germline): Uncertain significance. Review status: criteria provided, multiple submitters, no conflicts (2 of 4 stars). 2 submissions from 2 submitters: Uncertain significance (2). Last evaluated 2025-01-13.

Conditions:
Cardiovascular phenotype. Identifiers: MedGen CN230736.
Myofibrillar myopathy 5. Also called: Filaminopathy (type); FILAMINOPATHY, AUTOSOMAL DOMINANT. Identifiers: Orphanet 171445, MedGen C1836050, MONDO:0012289, OMIM 609524.
Distal myopathy with posterior leg and anterior hand involvement. Also called: WILLIAMS DISTAL MYOPATHY. Identifiers: Orphanet 63273, MedGen C3279722, MONDO:0013550, OMIM 614065.
Hypertrophic cardiomyopathy 26. Also called: Cardiomyopathy, familial hypertrophic, 26. Identifiers: Orphanet 75249, MedGen C4310749, MONDO:0014883, OMIM 617047.

Submissions (2):

Labcorp Genetics (formerly Invitae), Labcorp
Classification: Uncertain significance for Distal myopathy with posterior leg and anterior hand involvement; Myofibrillar myopathy 5; Hypertrophic cardiomyopathy 26. Last evaluated: 2025-01-13. Review status: criteria provided, single submitter. Criteria: Invitae Variant Classification Sherloc (09022015). Collection method: clinical testing. Allele origin: germline.
Comment: This sequence change replaces alanine, which is neutral and non-polar, with threonine, which is neutral and polar, at codon 1734 of the FLNC protein (p.Ala1734Thr). This variant is not present in population databases (gnomAD no frequency). This variant has not been reported in the literature in individuals affected with FLNC-related conditions. ClinVar contains an entry for this variant (Variation ID: 1500974). An algorithm developed to predict the effect of missense changes on protein structure and function (PolyPhen-2) suggests that this variant is likely to be tolerated. In summary, the available evidence is currently insufficient to determine the role of this variant in disease. Therefore, it has been classified as a Variant of Uncertain Significance.

Ambry Genetics
Classification: Uncertain significance for Cardiovascular phenotype. Last evaluated: 2024-12-05. Review status: criteria provided, single submitter. Criteria: Ambry Variant Classification Scheme 2023. Collection method: clinical testing. Allele origin: germline.
Comment: The p.A1734T variant (also known as c.5200G>A) is located in coding exon 31 of the FLNC gene. The alanine at codon 1734 is replaced by threonine, an amino acid with similar properties. This change occurs in the first base pair of coding exon 31. This amino acid position is conserved. In addition, the in silico prediction for this alteration is inconclusive. Based on the available evidence, the clinical significance of this variant remains unclear.